The following is an entry in ClinVar:

ClinVar aggregate classification (germline): Conflicting classifications of pathogenicity. Review status: criteria provided, conflicting classifications (1 of 4 stars). 16 submissions from 12 submitters: Uncertain significance (8); Benign (2); Likely benign (6). Last evaluated 2026-05-01.

Conditions:
TTN-related disorder. Also called: TTN-related condition; TTN-related disease; TTN-related disorders.
Dilated cardiomyopathy 1G (CMD1G). Identifiers: Orphanet 154, MedGen C1858763, MONDO:0011400, OMIM 604145.
Autosomal recessive limb-girdle muscular dystrophy type 2J (LGMDR10). Also called: Limb-girdle muscular dystrophy, type 2J; MUSCULAR DYSTROPHY, LIMB-GIRDLE, AUTOSOMAL RECESSIVE 10. Identifiers: Orphanet 140922, MedGen C1837342, MONDO:0012127, OMIM 608807.
Early-onset myopathy with fatal cardiomyopathy (CMYO5). Also called: CONGENITAL MYOPATHY 5 WITH CARDIOMYOPATHY; Salih Myopathy. Identifiers: Orphanet 289377, MedGen C2673677, MONDO:0012714, OMIM 611705. Disease mechanism: loss of function.
Tibial muscular dystrophy (TMD). Also called: Udd Distal Myopathy – Tibial Muscular Dystrophy; Tibial muscular dystrophy, tardive; UDD MYOPATHY. Identifiers: Orphanet 609, MedGen C1838244, MONDO:0010870, OMIM 600334.
Myopathy, myofibrillar, 9, with early respiratory failure (MFM9). Also called: EDSTROM MYOPATHY; MYOPATHY, PROXIMAL, WITH EARLY RESPIRATORY MUSCLE INVOLVEMENT; Hereditary myopathy with early respiratory failure; Myopathy, distal, with early respiratory failure, autosomal dominant. Identifiers: Orphanet 178464, Orphanet 34521, MedGen C1863599, MONDO:0011362, OMIM 603689.

Allele frequency attached by ClinVar (database versions not stated): gnomAD exomes 0.00036 and 0.00033; ExAC 0.00050; 1000 Genomes Project 30x 0.00016; TOPMed 0.00017; 1000 Genomes Project 0.00020; gnomAD 0.00026 and 0.00027; ESP Exome Variant Server 0.00033.
gnomAD v4.1: 561 of 1,606,974 alleles (0.035%); highest among the groups gnomAD compares: Non-Finnish European, 0.039%; 1 homozygote.

Submissions (16):

CeGaT Center for Human Genetics Tuebingen
Classification: Likely benign. Last evaluated: 2026-05-01. Review status: criteria provided, single submitter. Criteria: CeGaT Center For Human Genetics Tuebingen Variant Classification Criteria Version 2. Collection method: clinical testing. Allele origin: germline. Affected: yes. Observed: 3 variant alleles.
Comment: TTN: BS2

Women's Health and Genetics/Laboratory Corporation of America, LabCorp
Classification: Likely benign. Last evaluated: 2025-10-29. Review status: criteria provided, single submitter. Criteria: LabCorp Variant Classification Summary - May 2015. Collection method: clinical testing. Allele origin: germline.
Comment: Variant summary: TTN c.23117A>G (p.Tyr7706Cys) results in a non-conservative amino acid change located in the I-band region of the encoded protein sequence. Algorithms developed to predict the effect of missense changes on protein structure and function are either unavailable or do not agree on the potential impact of this missense change. The variant allele was found at a frequency of 0.00035 in 1600010 control chromosomes (including 1 homozygote), predominantly at a frequency of 0.00055 within the Finnish subpopulation in the gnomAD database. The observed variant frequency within Finnish control individuals in the gnomAD database exceeds the estimated maximal expected allele frequency for disease-causing variants in TTN. To our knowledge, no occurrence of c.23117A>G in individuals affected with TTN-related conditions and no experimental evidence demonstrating its impact on protein function have been reported. ClinVar contains an entry for this variant (Variation ID: 180569). Based on the evidence outlined above, the variant was classified as likely benign.

Mayo Clinic Laboratories, Mayo Clinic
Classification: Likely benign. Last evaluated: 2025-09-11. Review status: criteria provided, single submitter. Criteria: ACMG Guidelines, 2015. Collection method: clinical testing. Allele origin: germline. Observed: 4 variant alleles.
Comment: BS1, BP4

PreventionGenetics, part of Exact Sciences
Classification: Likely benign for TTN-related condition. Last evaluated: 2025-08-12. Review status: criteria provided, single submitter. Criteria: ACMG Guidelines, 2015. Collection method: clinical testing. Allele origin: germline.
Comment: This variant is classified as likely benign based on ACMG/AMP sequence variant interpretation guidelines (Richards et al. 2015 PMID: 25741868, with internal and published modifications).

ARUP Laboratories, Molecular Genetics and Genomics, ARUP Laboratories
Classification: Uncertain significance. Last evaluated: 2024-12-10. Review status: criteria provided, single submitter. Criteria: ARUP Molecular Germline Variant Investigation Process 2024. Collection method: clinical testing. Allele origin: germline.
Comment: The TTN c.26849A>G; p.Tyr8950Cys variant (rs199557654; ClinVar Variation ID: 180569) is rare in the general population (<0.2% allele frequency in the Genome Aggregation Database) and has not been reported in the medical literature in association with dilated cardiomyopathy (DCM) or other TTN-related disease. The clinical relevance of rare missense variants in this gene, which are identified on average once per individual sequenced in affected populations (Herman 2012), is not well understood. Yet, evidence suggests that the vast majority of such missense variants do not contribute to the clinical outcome of DCM (Begay 2015). Thus, the clinical significance of the p.Tyr8950Cys variant cannot be determined with certainty.

Blueprint Genetics
Classification: Likely benign. Last evaluated: 2024-11-20. Review status: criteria provided, single submitter. Criteria: ACMG Guidelines, 2015. Collection method: clinical testing. Allele origin: germline.

GeneDx
Classification: Likely benign. Last evaluated: 2020-12-23. Review status: criteria provided, single submitter. Criteria: GeneDx Variant Classification Process June 2021. Collection method: clinical testing. Allele origin: germline. Affected: yes.
Comment: This variant is associated with the following publications: (PMID: 23861362, 26284228)

Illumina Laboratory Services, Illumina
Classification: Benign for Tibial muscular dystrophy. Last evaluated: 2018-01-13. Review status: criteria provided, single submitter. Criteria: ICSL Variant Classification Criteria 13 December 2019. Collection method: clinical testing. Allele origin: germline.
Comment: This variant was observed in the ICSL laboratory as part of a predisposition screen in an ostensibly healthy population. It had not been previously curated by ICSL or reported in the Human Gene Mutation Database (HGMD: prior to June 1st, 2018), and was therefore a candidate for classification through an automated scoring system. Utilizing variant allele frequency, disease prevalence and penetrance estimates, and inheritance mode, an automated score was calculated to assess if this variant is too frequent to cause the disease. Based on the score and internal cut-off values, a variant classified as benign is not then subjected to further curation. The score for this variant resulted in a classification of benign for this disease.

Illumina Laboratory Services, Illumina
Classification: Uncertain significance for Dilated cardiomyopathy 1G. Last evaluated: 2018-01-13. Review status: criteria provided, single submitter. Criteria: ICSL Variant Classification Criteria 13 December 2019. Collection method: clinical testing. Allele origin: germline.

Illumina Laboratory Services, Illumina
Classification: Uncertain significance for Early-onset myopathy with fatal cardiomyopathy. Last evaluated: 2018-01-13. Review status: criteria provided, single submitter. Criteria: ICSL Variant Classification Criteria 13 December 2019. Collection method: clinical testing. Allele origin: germline.

Illumina Laboratory Services, Illumina
Classification: Uncertain significance for Autosomal recessive limb-girdle muscular dystrophy type 2J. Last evaluated: 2018-01-13. Review status: criteria provided, single submitter. Criteria: ICSL Variant Classification Criteria 13 December 2019. Collection method: clinical testing. Allele origin: germline.

Illumina Laboratory Services, Illumina
Classification: Benign for Myopathy, myofibrillar, 9, with early respiratory failure. Last evaluated: 2018-01-13. Review status: criteria provided, single submitter. Criteria: ICSL Variant Classification Criteria 13 December 2019. Collection method: clinical testing. Allele origin: germline.
Comment: the same text as in the submission from Illumina Laboratory Services, Illumina above.

Eurofins Ntd Llc (ga)
Classification: Uncertain significance. Last evaluated: 2017-11-30. Review status: criteria provided, single submitter. Criteria: EGL Classification Definitions 2015. Collection method: clinical testing. Allele origin: germline. Observed: 3 variant alleles, 2 heterozygotes.

Labcorp Genetics (formerly Invitae), Labcorp
Classification: Uncertain significance for Dilated cardiomyopathy 1G; Autosomal recessive limb-girdle muscular dystrophy type 2J. Last evaluated: 2016-09-27. Review status: criteria provided, single submitter. Criteria: Invitae Variant Classification Sherloc (09022015). Collection method: clinical testing. Allele origin: germline.

Laboratory for Molecular Medicine, Mass General Brigham Personalized Medicine
Classification: Uncertain significance. Last evaluated: 2015-02-27. Review status: criteria provided, single submitter. Criteria: LMM Criteria. Collection method: clinical testing. Allele origin: germline. Observed: 1 variant allele.
Comment: The p.Tyr7706Cys variant in TTN has not been previously reported in individuals with cardiomyopathy, but has been identified in 28/42570 of European chromosomes by the Exome Aggregation Consortium (ExAC; dbSN P rs199557654). Computational prediction tools and conservation analysis do not provide strong support for or against an impact to the protein. In summary, the clinical significance of the p.Tyr7706Cys variant is uncertain.

Biesecker Lab/Clinical Genomics Section, National Institutes of Health
Classification: Uncertain significance. Last evaluated: 2013-06-24. Review status: criteria provided, single submitter. Criteria: Ng et al. (Circ Cardiovasc Genet. 2013). Collection method: research. Allele origin: unknown. Observed: 1 variant allele. Study: ClinSeq.
Comment: The study set was not selected for affection status in relation to any cancer. Pathogenicity categories were based on literature curation. See Pubmed ID:23861362 for details.

Medical sequencing

NM_001267550.2(TTN):c.26849A>G (p.Tyr8950Cys)

Gene: TTN (titin; minus strand). Cytogenetic location: 2q31.2.
Variant type: single nucleotide variant.
Coding change: c.26849A>G on transcript NM_001267550.2 (MANE Select); coding-DNA position 26849, A replaced by G.
Protein change: p.Tyr8950Cys; replaces tyrosine 8950 with cysteine.
Molecular consequence: missense variant. On other transcripts: intron variant (3).
Genome position (GRCh38, 1-based): chr2:178,713,285, T>C on the plus strand (A>G on the coding strand, the complement: TTN is on the minus strand). VCF-style: chr2-178713285-T-C. GRCh37 (hg19) VCF-style: chr2-179578012-T-C.
Other names: p.Y8633C:TAT>TGT; p.Tyr8633Cys; c.25898A>G, p.Tyr8633Cys (NM_001256850.1); c.23117A>G, p.Tyr7706Cys (NM_133378.4); c.13282+24797A>G (NM_003319.4); c.13858+24797A>G (NM_133437.4); c.13657+24797A>G (NM_133432.3); short protein forms Y7706C, Y8950C, Y8633C.
Identifiers: ClinVar variation 180569 (VCV000180569.64), dbSNP rs199557654, ClinGen allele CA302499.
Genomic context (GRCh38, chr2:178,713,285, plus strand): 5'-CTTCCACTACTGATCTCATTTCCTTCATGGAACCAGGAGACAGAGATTGGAGGTGACCCA[T>C]AGACTTTACACTCCATTACAACTGAGGAGCCGGATAGACCATTTGTCTCTTTCAATTTTC-3'
Protein context (NP_001254479.2, residues 8940-8960): GSSVVMECKV[Tyr8950Cys]GSPPISVSWF